The following is an entry in ClinVar:

NM_000230.3(LEP):c.190C>T (p.Pro64Ser)

Gene: LEP (leptin; plus strand). Cytogenetic location: 7q32.1.
Variant type: single nucleotide variant.
Coding change: c.190C>T on transcript NM_000230.3 (MANE Select); coding-DNA position 190, C replaced by T.
Protein change: p.Pro64Ser; replaces proline 64 with serine.
Molecular consequence: missense variant.
Genome position (GRCh38, 1-based): chr7:128,254,449, C>T. VCF-style: chr7-128254449-C-T. GRCh37 (hg19) VCF-style: chr7-127894502-C-T.
Other names: short protein forms P64S.
Identifiers: ClinVar variation 2428498 (VCV002428498.6), dbSNP rs2485445933, ClinGen allele CA369443667.

ClinVar aggregate classification (germline): Pathogenic. Review status: criteria provided, single submitter (1 of 4 stars). 2 submissions from 2 submitters: Pathogenic (1). 1 of the submissions does not count toward it. Last evaluated 2023-01-25.

Conditions:
Leptin dysfunction. Identifiers: MedGen C4016279.
Obesity due to congenital leptin deficiency. Also called: Leptin deficiency or dysfunction. Identifiers: Orphanet 66628, MedGen C3554224, MONDO:0013991, OMIM 614962.

Submissions (2):

Division of Pediatric Endocrinology and Diabetes, Ulm University Medical Center
Classification: Pathogenic for Obesity due to congenital leptin deficiency. Last evaluated: 2023-01-25. Review status: criteria provided, single submitter. Criteria: ACMG Guidelines, 2015. Collection method: clinical testing, in vitro. Allele origin: inherited, not applicable. Inheritance: Autosomal recessive inheritance. Affected: yes. Observed: 1 homozygote. Functional consequence: effect on protein activity.
Comment: The variant was absent from databases including the Exome Variant Server (EVS) (ESP6500SI-V2), International Genome Sample Resource (IGSR), and gnomAD (v2.1.1). in vitro functional studies demonstrated that the Pro64Ser variant does not affect leptin production, leptin secretion, or leptin receptor binding, but does impair leptin receptor activation. The leptin Pro64Ser variant triggers negligible signaling engaging the leptin receptor and behaves as a competitive antagonist in the presence of non-variant leptin. According to ACMG standards and guidelines (PMID: 25741868), the Pro64Ser variant can be classified as pathogenic (PS3/PM1/PM2/PP2/PP3/PP4). Diagnostic investigations excluded Prader-Willi and Bardet-Biedl syndromes as well as pathogenic changes in the LEPR gene.

OMIM
Classification: Pathogenic for LEPTIN DYSFUNCTION. Last evaluated: 2023-07-14. Review status: no assertion criteria provided. Collection method: literature only. Allele origin: germline. Not counted in ClinVar's aggregate classification.

Literature cited by the submitters: PubMed 37314706 (cited by OMIM).